The following is an entry in ClinVar:

NM_001110556.2(FLNA):c.2193C>A (p.Tyr731Ter)

Gene: FLNA (filamin A; minus strand). Cytogenetic location: Xq28.
Variant type: single nucleotide variant.
Coding change: c.2193C>A on transcript NM_001110556.2 (MANE Select); coding-DNA position 2193, C replaced by A.
Protein change: p.Tyr731Ter; replaces tyrosine 731 with a stop codon.
Molecular consequence: nonsense.
Genome position (GRCh38, 1-based): chrX:154,364,109, G>T on the plus strand (C>A on the coding strand, the complement: FLNA is on the minus strand). VCF-style: chrX-154364109-G-T. GRCh37 (hg19) VCF-style: chrX-153592477-G-T.
Other names: c.2193C>A, p.Tyr731Ter (NM_001456.4); short protein forms Y731*.
Identifiers: ClinVar variation 4294528 (VCV004294528.1).

ClinVar aggregate classification (germline): Likely pathogenic (1 of 4 stars; one submission).

Conditions:
Oto-palato-digital syndrome, type I (OPD1). Also called: OPD I SYNDROME; OPD SYNDROME 1; Taybi syndrome; Otopalatodigital Syndrome, Type I; Otopalatodigital Syndrome Type 1 (FLNA-OPD1). Identifiers: Orphanet 669, Orphanet 90650, MedGen C0265251, MONDO:0010704, OMIM 311300.
Cardiac valvular dysplasia, X-linked (CVDPX). Also called: MYXOMATOUS VALVULAR DYSTROPHY, X-LINKED; VALVULAR HEART DISEASE, CONGENITAL; Congenital valvular dysplasia; Isolated X-Linked Cardiac Valvular Dysplasia; FLNA-Related X-linked Cardiac Valvular Dysplasia. Identifiers: Orphanet 1864, Orphanet 555877, Orphanet 75497, MedGen C0262436, MONDO:0010753, OMIM 314400.
Melnick-Needles syndrome (MNS). Also called: OSTEODYSPLASTY OF MELNICK AND NEEDLES; MELNICK-NEEDLES OSTEODYSPLASTY; Melnick-Needles Syndrome (FLNA-MNS). Identifiers: Orphanet 2484, MedGen C0025237, MONDO:0010650, OMIM 309350.
Intestinal pseudoobstruction, neuronal, chronic idiopathic, X-linked (CIIPX). Also called: FLNA-Related Periventricular Nodular Heterotopia (FLNA-Related PVNH; Huttenlocher Syndrome); CONGENITAL IDIOPATHIC INTESTINAL PSEUDOOBSTRUCTION; INTESTINAL PSEUDOOBSTRUCTION, NEURONAL, CHRONIC IDIOPATHIC, WITH CENTRAL NERVOUS SYSTEM INVOLVEMENT. Identifiers: Orphanet 2301, MedGen C2746068, MONDO:0010232, OMIM 300048.
Frontometaphyseal dysplasia 1 (FMD1). Also called: Frontometaphyseal Dysplasia (FLNA-FMD). Identifiers: Orphanet 1826, MedGen C4281559, MONDO:0024550, OMIM 305620.
Terminal osseous dysplasia-pigmentary defects syndrome. Also called: ODPF SYNDROME; OSSEOUS DYSPLASIA, DIGITAL, WITH FACIAL PIGMENTARY DEFECTS AND MULTIPLE FRENULA; ODPD; TERMINAL OSSEOUS DYSPLASIA AND PIGMENTARY DEFECTS; Terminal Osseous Dysplasia (FLNA-TOD). Identifiers: Orphanet 88630, MedGen C1846129, MONDO:0010279, OMIM 300244.
Heterotopia, periventricular, X-linked dominant (PVNH1). Also called: PERIVENTRICULAR NODULAR HETEROTOPIA 1; X-linked periventricular heterotopia; PERIVENTRICULAR NODULAR HETEROTOPIA 4; HETEROTOPIA, PERIVENTRICULAR, 1. Identifiers: Orphanet 2149, Orphanet 82004, MedGen C1848213, MONDO:0010233, OMIM 300049.
FG syndrome 2 (FGS2). Identifiers: MedGen C1845902, MONDO:0010297, OMIM 300321.
Oto-palato-digital syndrome, type II (OPD2). Also called: OPD II SYNDROME; Otopalatodigital Syndrome, Type II; FACIOPALATOOSSEOUS SYNDROME; Otopalatodigital Syndrome Type 2 (FLNA-OPD2). Identifiers: Orphanet 669, Orphanet 90652, MedGen C1844696, MONDO:0010571, OMIM 304120.

Submission:

Molecular Genetics Department, Kulakov National Medical Research Center for Obstetrics, Gynecology and Perinatology
Classification: Likely pathogenic for Intestinal pseudoobstruction, neuronal, chronic idiopathic, X-linked; Heterotopia, periventricular, X-linked dominant; Terminal osseous dysplasia-pigmentary defects syndrome; FG syndrome 2; Oto-palato-digital syndrome, type II; Frontometaphyseal dysplasia 1; Melnick-Needles syndrome; Oto-palato-digital syndrome, type I; Cardiac valvular dysplasia, X-linked. Review status: criteria provided, single submitter. Criteria: ACMG Guidelines, 2015. Collection method: clinical testing. Allele origin: germline. Affected: yes. Observed: 1 variant allele.
Comment: A previously undescribed heterozygous nucleotide variant creates a premature translation stop signal p.Tyr731Ter in the FLNA gene. In summary, the currently available evidence indicates that the variant is pathogenic, but additional data are needed to prove that conclusively. Therefore, this variant has been classified as likely pathogenic.

Literature cited by the submitters: PubMed 23032111.